The following is an entry in ClinVar:

ClinVar aggregate classification (germline): Uncertain significance (1 of 4 stars; one submission).

Conditions:
Arterial tortuosity syndrome (ATORS). Identifiers: Orphanet 3342, MedGen C1859726, MONDO:0008818, OMIM 208050.

Allele frequency attached by ClinVar (database versions not stated): ExAC 0.00001; gnomAD exomes 0.00001; TOPMed 0.00001.
gnomAD v4.1: 14 of 1,614,052 alleles (0.00087%); highest among the groups gnomAD compares: East Asian, 0.0022%; no homozygotes.

Submission:

Labcorp Genetics (formerly Invitae), Labcorp
Classification: Uncertain significance for Arterial tortuosity syndrome. Last evaluated: 2022-04-22. Review status: criteria provided, single submitter. Criteria: Invitae Variant Classification Sherloc (09022015). Collection method: clinical testing. Allele origin: germline.
Comment: This sequence change replaces alanine, which is neutral and non-polar, with threonine, which is neutral and polar, at codon 111 of the SLC2A10 protein (p.Ala111Thr). This variant is present in population databases (rs780949856, gnomAD 0.006%). This variant has not been reported in the literature in individuals affected with SLC2A10-related conditions. Advanced modeling of protein sequence and biophysical properties (such as structural, functional, and spatial information, amino acid conservation, physicochemical variation, residue mobility, and thermodynamic stability) performed at Invitae indicates that this missense variant is expected to disrupt SLC2A10 protein function. In summary, the available evidence is currently insufficient to determine the role of this variant in disease. Therefore, it has been classified as a Variant of Uncertain Significance.

NM_030777.4(SLC2A10):c.331G>A (p.Ala111Thr)

Gene: SLC2A10 (solute carrier family 2 member 10; plus strand). Cytogenetic location: 20q13.12.
Variant type: single nucleotide variant.
Coding change: c.331G>A on transcript NM_030777.4 (MANE Select); coding-DNA position 331, G replaced by A.
Protein change: p.Ala111Thr; replaces alanine 111 with threonine.
Molecular consequence: missense variant.
Genome position (GRCh38, 1-based): chr20:46,725,367, G>A. VCF-style: chr20-46725367-G-A. GRCh37 (hg19) VCF-style: chr20-45354006-G-A.
Other names: short protein forms A111T.
Identifiers: ClinVar variation 2172356 (VCV002172356.1), dbSNP rs780949856, ClinGen allele CA9891957.